The following is an entry in ClinVar:

NM_025114.4(CEP290):c.1915G>T (p.Glu639Ter)

Gene: CEP290 (centrosomal protein 290; minus strand). Cytogenetic location: 12q21.32.
Variant type: single nucleotide variant.
Coding change: c.1915G>T on transcript NM_025114.4 (MANE Select); coding-DNA position 1915, G replaced by T.
Protein change: p.Glu639Ter; replaces glutamic acid 639 with a stop codon.
Molecular consequence: nonsense.
Genome position (GRCh38, 1-based): chr12:88,114,557, C>A on the plus strand (G>T on the coding strand, the complement: CEP290 is on the minus strand). VCF-style: chr12-88114557-C-A. GRCh37 (hg19) VCF-style: chr12-88508334-C-A.
Other names: short protein forms E639*.
Identifiers: ClinVar variation 452628 (VCV000452628.17), dbSNP rs1555220625, ClinGen allele CA385977034.

ClinVar aggregate classification (germline): Pathogenic/Likely pathogenic. Review status: criteria provided, multiple submitters, no conflicts (2 of 4 stars). 8 submissions from 8 submitters: Pathogenic (3); Likely pathogenic (5). Last evaluated 2025-12-03.

Conditions:
CEP290-related ciliopathy. Also called: CEP290 ciliopathy. Identifiers: MedGen CN305601, MONDO:0100451.
Leber congenital amaurosis (LCA). Also called: Leber's amaurosis. Identifiers: Orphanet 65, MedGen C0339527, MeSH D057130, MONDO:0018998.
Bardet-Biedl syndrome 14 (BBS14). Identifiers: Orphanet 110, MedGen C2673874, MONDO:0014442, OMIM 615991.
Senior-Loken syndrome 6 (SLSN6). Identifiers: Orphanet 3156, MedGen C1857779, MONDO:0012433, OMIM 610189.
Leber congenital amaurosis 10 (LCA10). Identifiers: Orphanet 65, MedGen C1857821, MONDO:0012723, OMIM 611755.
Meckel syndrome, type 4 (MKS4). Also called: MECKEL-GRUBER SYNDROME, TYPE 4. Identifiers: Orphanet 564, MedGen C1970161, MONDO:0012626, OMIM 611134.
Joubert syndrome 5 (JBTS5). Identifiers: Orphanet 2318, MedGen C1857780, MONDO:0012432, OMIM 610188.
Joubert syndrome. Also called: JOUBERT-BOLTSHAUSER SYNDROME; Familial aplasia of the vermis. Identifiers: Orphanet 475, MedGen C5979921, MONDO:0018772.
Meckel-Gruber syndrome. Also called: DYSENCEPHALIA SPLANCHNOCYSTICA; GRUBER SYNDROME; Dysencephalia splachnocystica. Identifiers: Orphanet 564, MedGen C0265215, MONDO:0018921.
Nephronophthisis. Also called: Juvenile Nephronophthisis. Identifiers: Orphanet 655, MedGen C0687120, MONDO:0019005, HP:0000090.

Allele frequency attached by ClinVar (database versions not stated): gnomAD exomes below 0.00001.
gnomAD v4.1: 1 of 1,538,176 alleles (0.000065%); highest among the groups gnomAD compares: Non-Finnish European, 0.000088%; no homozygotes.

Submissions (8):

Myriad Genetics, Inc.
Classification: Pathogenic for CEP290-related ciliopathy. Last evaluated: 2025-12-03. Review status: criteria provided, single submitter. Criteria: Myriad Autosomal Dominant, Autosomal Recessive and X-Linked Classification Criteria (2023). Collection method: clinical testing. Allele origin: unknown.
Comment: NM_025114.3(CEP290):c.1915G>T(E639*) is expected to be pathogenic in the context of CEP290-related disorders. This variant is predicted to lead to an abnormal or absent protein product due to the creation of a premature termination codon in CEP290, a gene where loss-of-function variants are known to be pathogenic. Please note: this variant was assessed in the context of healthy population screening.

Natera, Inc.
Classification: Likely pathogenic for Leber congenital amaurosis. Last evaluated: 2024-10-24. Review status: criteria provided, single submitter. Criteria: Natera Variant Classification Schema (03/2026). Collection method: clinical testing. Allele origin: germline.
Comment: The c.1915G>T variant in CEP290 is a nonsense variant predicted to introduce a stop codon at amino acid 639. This variant is expected to result in nonsense mediated decay, truncation, or a dysfunctional protein product. This variant is rare in the general population with a frequency below the threshold expected for the associated phenotype(s). Given the available evidence, this variant is classified as Likely Pathogenic.

Baylor Genetics
Classification: Likely pathogenic for Bardet-Biedl syndrome 14. Last evaluated: 2024-03-22. Review status: criteria provided, single submitter. Criteria: ACMG Guidelines, 2015. Collection method: clinical testing. Allele origin: unknown.

Women's Health and Genetics/Laboratory Corporation of America, LabCorp
Classification: Likely pathogenic for Meckel syndrome, type 4. Last evaluated: 2023-02-17. Review status: criteria provided, single submitter. Criteria: LabCorp Variant Classification Summary - May 2015. Collection method: clinical testing. Allele origin: germline.
Comment: Variant summary: CEP290 c.1915G>T (p.Glu639X) results in a premature termination codon, predicted to cause a truncation of the encoded protein or absence of the protein due to nonsense mediated decay, which are commonly known mechanisms for disease. Truncations downstream of this position have been classified as pathogenic by our laboratory. The variant was absent in 150600 control chromosomes. To our knowledge, no occurrence of c.1915G>T in individuals affected with CEP290-related disorders and no experimental evidence demonstrating its impact on protein function have been reported. Four ClinVar submitters (evaluation after 2014) have cited the variant, and all laboratories classified the variant as pathogenic (n = 2) or likely pathogenic (n = 2). Based on the evidence outlined above, the variant was classified as likely pathogenic.

Labcorp Genetics (formerly Invitae), Labcorp
Classification: Pathogenic for Joubert syndrome; Meckel-Gruber syndrome; Nephronophthisis. Last evaluated: 2022-05-20. Review status: criteria provided, single submitter. Criteria: Invitae Variant Classification Sherloc (09022015). Collection method: clinical testing. Allele origin: germline.
Comment: This sequence change creates a premature translational stop signal (p.Glu639*) in the CEP290 gene. It is expected to result in an absent or disrupted protein product. Loss-of-function variants in CEP290 are known to be pathogenic (PMID: 16909394, 17345604, 20690115). This variant is not present in population databases (gnomAD no frequency). This variant has not been reported in the literature in individuals affected with CEP290-related conditions. ClinVar contains an entry for this variant (Variation ID: 452628). Algorithms developed to predict the effect of sequence changes on RNA splicing suggest that this variant may disrupt the consensus splice site. For these reasons, this variant has been classified as Pathogenic.

Fulgent Genetics
Classification: Likely pathogenic for Joubert syndrome 5; Senior-Loken syndrome 6; Meckel syndrome, type 4; Leber congenital amaurosis 10; Bardet-Biedl syndrome 14. Last evaluated: 2021-09-01. Review status: criteria provided, single submitter. Criteria: ACMG Guidelines, 2015. Collection method: clinical testing. Allele origin: unknown.

GeneDx
Classification: Likely pathogenic. Last evaluated: 2018-04-18. Review status: criteria provided, single submitter. Criteria: GeneDx Variant Classification (06012015). Collection method: clinical testing. Allele origin: germline. Affected: yes.
Comment: The E639X nonsense variant in the CEP290 gene has not been published as a pathogenic variant, nor has it been reported as a benign variant to our knowledge. It is predicted to cause loss of normal protein function either through protein truncation or nonsense-mediated mRNA decay. The variant is not observed at a significant frequency in large population cohorts (Lek et al., 2016). In summary, we consider this variant to be likely pathogenic.

Eurofins Ntd Llc (ga)
Classification: Pathogenic. Last evaluated: 2016-11-18. Review status: criteria provided, single submitter. Criteria: EGL Classification Definitions 2015. Collection method: clinical testing. Allele origin: germline. Observed: 1 variant allele, 1 heterozygote.

Literature cited by the submitters: PubMed 16909394 (cited by Labcorp Genetics (formerly Invitae), Labcorp); PubMed 17345604 (cited by Labcorp Genetics (formerly Invitae), Labcorp); PubMed 20690115 (cited by Labcorp Genetics (formerly Invitae), Labcorp).